The following is an entry in ClinVar:

NM_001330588.2(TPP2):c.3457G>C (p.Ala1153Pro)

Gene: TPP2 (tripeptidyl peptidase 2; plus strand). Cytogenetic location: 13q33.1.
Variant type: single nucleotide variant.
Coding change: c.3457G>C on transcript NM_001330588.2 (MANE Select); coding-DNA position 3457, G replaced by C.
Protein change: p.Ala1153Pro; replaces alanine 1153 with proline.
Molecular consequence: missense variant. On other transcripts: non-coding transcript variant (1).
Genome position (GRCh38, 1-based): chr13:102,674,368, G>C. VCF-style: chr13-102674368-G-C. GRCh37 (hg19) VCF-style: chr13-103326718-G-C.
Other names: c.3544G>C, p.Ala1182Pro (NM_001367947.1); c.3418G>C, p.Ala1140Pro (NM_003291.4); short protein forms A1153P, A1140P, A1182P.
Identifiers: ClinVar variation 1926255 (VCV001926255.2), dbSNP rs956096554, ClinGen allele CA255183255.

ClinVar aggregate classification (germline): Uncertain significance (1 of 4 stars; one submission).

Conditions:
Evans syndrome, immunodeficiency, and premature immunosenescence associated with tripeptidyl-peptidase II deficiency. Identifiers: MedGen CN231723. Disease mechanism: loss of function.

gnomAD v4.1: 1 of 1,613,936 alleles (0.000062%); highest among the groups gnomAD compares: East Asian, 0.0022%; no homozygotes.

Submission:

Labcorp Genetics (formerly Invitae), Labcorp
Classification: Uncertain significance for Evans syndrome, immunodeficiency, and premature immunosenescence associated with tripeptidyl-peptidase II deficiency. Last evaluated: 2022-01-21. Review status: criteria provided, single submitter. Criteria: Invitae Variant Classification Sherloc (09022015). Collection method: clinical testing. Allele origin: germline.
Comment: This sequence change replaces alanine, which is neutral and non-polar, with proline, which is neutral and non-polar, at codon 1140 of the TPP2 protein (p.Ala1140Pro). This variant is not present in population databases (gnomAD no frequency). This variant has not been reported in the literature in individuals affected with TPP2-related conditions. Algorithms developed to predict the effect of missense changes on protein structure and function output the following: SIFT: "Tolerated"; PolyPhen-2: "Benign"; Align-GVGD: "Class C0". The proline amino acid residue is found in multiple mammalian species, which suggests that this missense change does not adversely affect protein function. In summary, the available evidence is currently insufficient to determine the role of this variant in disease. Therefore, it has been classified as a Variant of Uncertain Significance.